The following is an entry in ClinVar:

ClinVar aggregate classification (germline): Uncertain significance (1 of 4 stars; one submission).

Conditions:
Developmental and epileptic encephalopathy, 33 (DEE33). Also called: Epileptic encephalopathy, early infantile, 33. Identifiers: Orphanet 442835, MedGen C4225337, MONDO:0014625, OMIM 616409.

Submission:

Labcorp Genetics (formerly Invitae), Labcorp
Classification: Uncertain significance for Developmental and epileptic encephalopathy, 33. Last evaluated: 2023-10-03. Review status: criteria provided, single submitter. Criteria: Invitae Variant Classification Sherloc (09022015). Collection method: clinical testing. Allele origin: unknown.
Comment: This variant results in a copy number gain of the genomic region encompassing exon(s) 2-3 of the EEF1A2 gene. This region includes the initiator codon of the gene. This copy number gain extends beyond the assayed region for this gene and therefore may encompass additional genes. As the precise location of this event is unknown, it may be in tandem or it may be located elsewhere in the genome. This variant has not been reported in the literature in individuals affected with EEF1A2-related conditions. In summary, the available evidence is currently insufficient to determine the role of this variant in disease. Therefore, it has been classified as a Variant of Uncertain Significance.

NC_000020.10:g.(?_62127189)_(62129116_?)dup

Gene: EEF1A2 (eukaryotic translation elongation factor 1 alpha 2; minus strand). Cytogenetic location: 20q13.33.
Variant type: Duplication.
Identifiers: ClinVar variation 3248314 (VCV003248314.1).